The following is an entry in ClinVar:

NM_002471.4(MYH6):c.4359+5_4359+8delinsGCCC

Gene: MYH6 (myosin heavy chain 6; minus strand). Cytogenetic location: 14q11.2.
Variant type: Indel.
Coding change: c.4359+5_4359+8delinsGCCC on transcript NM_002471.4 (MANE Select); bases 5 to 8 of the intron after coding-DNA position 4359, ACCA replaced by GCCC.
Molecular consequence: intron variant.
Genome position (GRCh38, 1-based): chr14:23,388,147-23,388,150, TGGT replaced by GGGC on the plus strand (ACCA replaced by GCCC on the coding strand, the reverse complement: MYH6 is on the minus strand). VCF-style: chr14-23388147-TGGT-GGGC. GRCh37 (hg19) VCF-style: chr14-23857356-TGGT-GGGC.
Other names: c.4359+5_4359+8delACCAinsGCCC (NM_002471.3).
Identifiers: ClinVar variation 422604 (VCV000422604.1), dbSNP rs1064795890, ClinGen allele CA16619844.

ClinVar aggregate classification (germline): Likely benign (1 of 4 stars; one submission).

Submission:

GeneDx
Classification: Likely benign. Last evaluated: 2016-11-01. Review status: criteria provided, single submitter. Criteria: GeneDx Variant Classification (06012015). Collection method: clinical testing. Allele origin: germline. Affected: yes.
Comment: This variant is considered likely benign or benign based on one or more of the following criteria: it is a conservative change, it occurs at a poorly conserved position in the protein, it is predicted to be benign by multiple in silico algorithms, and/or has population frequency not consistent with disease.